The following is an entry in ClinVar:

ClinVar aggregate classification (germline): Pathogenic/Likely pathogenic. Review status: criteria provided, multiple submitters, no conflicts (2 of 4 stars). 2 submissions from 2 submitters: Pathogenic (1); Likely pathogenic (1). Last evaluated 2025-03-17.

Conditions:
Nemaline myopathy. Also called: Myopathies, Nemaline. Identifiers: Orphanet 607, MedGen C0206157, MONDO:0018958.
Nemaline myopathy 2 (NEM2). Also called: Nemaline myopathy 2, autosomal recessive. Identifiers: MedGen C1850569, MONDO:0009725, OMIM 256030.

Allele frequency attached by ClinVar (database versions not stated): TOPMed below 0.00001; gnomAD 0.00001.
gnomAD v4.1: 2 of 1,608,172 alleles (0.00012%); highest among the groups gnomAD compares: African/African-American, 0.0027%; no homozygotes.

Submissions (2):

Broad Center for Mendelian Genomics, Broad Institute of MIT and Harvard
Classification: Likely pathogenic for Nemaline myopathy. Last evaluated: 2025-03-17. Review status: criteria provided, single submitter. Criteria: ACMG Guidelines, 2015. Collection method: curation. Allele origin: germline. Inheritance: Autosomal recessive inheritance.
Comment: The p.Gln3489Ter variant in NEB has not been previously reported in the literature in individuals with nemaline myopathy, but has been identified in 0.003% (2/74878) of African/African American chromosomes by the Genome Aggregation Database (gnomAD, ' dbSNP ID: rs1286822636). Although this variant has been seen in the general population in a heterozygous state, its frequency is low enough to be consistent with a recessive carrier frequency. This variant has also been reported in ClinVar (Variation ID: 2127860) and has been interpreted as pathogenic by Invitae. This nonsense variant leads to a premature termination codon at position 3489, which is predicted to lead to a truncated or absent protein. Loss of function of the NEB gene is an established disease mechanism in autosomal recessive nemaline myopathy. In summary, although additional studies are required to fully establish its clinical significance, this variant is likely pathogenic for autosomal recessive nemaline myopathy. ACMG/AMP Criteria applied: PVS1, PM2_supporting (Richards 2015).

Labcorp Genetics (formerly Invitae), Labcorp
Classification: Pathogenic for Nemaline myopathy 2. Last evaluated: 2022-09-13. Review status: criteria provided, single submitter. Criteria: Invitae Variant Classification Sherloc (09022015). Collection method: clinical testing. Allele origin: germline.
Comment: This sequence change creates a premature translational stop signal (p.Gln3489*) in the NEB gene. It is expected to result in an absent or disrupted protein product. Loss-of-function variants in NEB are known to be pathogenic (PMID: 25205138). For these reasons, this variant has been classified as Pathogenic. This variant has not been reported in the literature in individuals affected with NEB-related conditions. This variant is not present in population databases (gnomAD no frequency).

Literature cited by the submitters: PubMed 25205138 (cited by Labcorp Genetics (formerly Invitae), Labcorp).

NM_001164508.2(NEB):c.10465C>T (p.Gln3489Ter)

Gene: NEB (nebulin; minus strand). Cytogenetic location: 2q23.3.
Variant type: single nucleotide variant.
Coding change: c.10465C>T on transcript NM_001164508.2 (MANE Select); coding-DNA position 10465, C replaced by T.
Protein change: p.Gln3489Ter; replaces glutamine 3489 with a stop codon.
Molecular consequence: nonsense.
Genome position (GRCh38, 1-based): chr2:151,621,014, G>A on the plus strand (C>T on the coding strand, the complement: NEB is on the minus strand). VCF-style: chr2-151621014-G-A. GRCh37 (hg19) VCF-style: chr2-152477528-G-A.
Other names: NM_001164508.2(NEB):c.10465C>T; p.Gln3489Ter; c.10465C>T, p.Gln3489Ter (NM_001164507.2, NM_001271208.2); c.9736C>T, p.Gln3246Ter (NM_004543.5); short protein forms Q3246*, Q3489*.
Identifiers: ClinVar variation 2127860 (VCV002127860.5), dbSNP rs1286822636, ClinGen allele CA348789477.